The following is an entry in ClinVar:

ClinVar aggregate classification (germline): Uncertain significance (1 of 4 stars; one submission).

Submission:

Labcorp Genetics (formerly Invitae), Labcorp
Classification: Uncertain significance. Last evaluated: 2023-06-07. Review status: criteria provided, single submitter. Criteria: Invitae Variant Classification Sherloc (09022015). Collection method: clinical testing. Allele origin: germline.
Comment: In summary, the available evidence is currently insufficient to determine the role of this variant in disease. Therefore, it has been classified as a Variant of Uncertain Significance. Advanced modeling of protein sequence and biophysical properties (such as structural, functional, and spatial information, amino acid conservation, physicochemical variation, residue mobility, and thermodynamic stability) performed at Invitae indicates that this missense variant is not expected to disrupt NSD1 protein function. This variant has not been reported in the literature in individuals affected with NSD1-related conditions. This variant is not present in population databases (gnomAD no frequency). This sequence change replaces glutamine, which is neutral and polar, with histidine, which is basic and polar, at codon 2291 of the NSD1 protein (p.Gln2291His).

NM_022455.5(NSD1):c.6873G>C (p.Gln2291His)

Gene: NSD1 (nuclear receptor binding SET domain protein 1; plus strand). Cytogenetic location: 5q35.3.
Variant type: single nucleotide variant.
Coding change: c.6873G>C on transcript NM_022455.5 (MANE Select); coding-DNA position 6873, G replaced by C.
Protein change: p.Gln2291His; replaces glutamine 2291 with histidine.
Molecular consequence: missense variant.
Genome position (GRCh38, 1-based): chr5:177,294,241, G>C. VCF-style: chr5-177294241-G-C. GRCh37 (hg19) VCF-style: chr5-176721242-G-C.
Other names: c.6000G>C, p.Gln2000His (NM_001365684.2, NM_001409308.1, NM_172349.5); c.6873G>C, p.Gln2291His (NM_001409301.1, NM_001409302.1, NM_001409303.1); c.6453G>C, p.Gln2151His (NM_001409304.1); c.6120G>C, p.Gln2040His (NM_001409305.1); c.6111G>C, p.Gln2037His (NM_001409306.1, NM_001409307.1); c.5751G>C, p.Gln1917His (NM_001409309.1); short protein forms Q1917H, Q2040H, Q2000H, Q2291H, Q2037H, Q2151H.
Identifiers: ClinVar variation 3668954 (VCV003668954.2).